The following is an entry in ClinVar:

ClinVar aggregate classification (germline): Conflicting classifications of pathogenicity. Review status: criteria provided, conflicting classifications (1 of 4 stars). 4 submissions from 4 submitters: Uncertain significance (2); Likely benign (1). 1 of the submissions does not count toward it. Last evaluated 2024-03-03.

Conditions:
Megalencephaly-polymicrogyria-postaxial polydactyly-hydrocephalus syndrome. Also called: MEG-PMG-MEGACC SYNDROME; MPPH Syndrome. Identifiers: Orphanet 83473, MedGen C1863924, MONDO:0019375.
PIK3R2-related disorder. Also called: PIK3R2-related condition.

Allele frequency attached by ClinVar (database versions not stated): TOPMed 0.00006; gnomAD 0.00008 and 0.00009; gnomAD exomes 0.00008; ExAC 0.00011; ESP Exome Variant Server 0.00023.
gnomAD v4.1: 188 of 1,613,724 alleles (0.012%); highest among the groups gnomAD compares: Middle Eastern, 0.016%; no homozygotes.

Submissions (4):

Labcorp Genetics (formerly Invitae), Labcorp
Classification: Uncertain significance for Megalencephaly-polymicrogyria-postaxial polydactyly-hydrocephalus syndrome. Last evaluated: 2024-03-03. Review status: criteria provided, single submitter. Criteria: Invitae Variant Classification Sherloc (09022015). Collection method: clinical testing. Allele origin: germline.
Comment: This sequence change falls in intron 10 of the PIK3R2 gene. It does not directly change the encoded amino acid sequence of the PIK3R2 protein. It affects a nucleotide within the consensus splice site. This variant is present in population databases (rs376614345, gnomAD 0.01%). This variant has not been reported in the literature in individuals affected with PIK3R2-related conditions. ClinVar contains an entry for this variant (Variation ID: 235355). Variants that disrupt the consensus splice site are a relatively common cause of aberrant splicing (PMID: 17576681, 9536098). Algorithms developed to predict the effect of sequence changes on RNA splicing suggest that this variant is not likely to affect RNA splicing. In summary, the available evidence is currently insufficient to determine the role of this variant in disease. Therefore, it has been classified as a Variant of Uncertain Significance.

Blueprint Genetics
Classification: Likely benign. Last evaluated: 2023-12-01. Review status: criteria provided, single submitter. Criteria: ACMG Guidelines, 2015. Collection method: clinical testing. Allele origin: germline.

Center for Pediatric Genomic Medicine, Children's Mercy Hospital and Clinics
Classification: Uncertain significance. Last evaluated: 2016-05-06. Review status: criteria provided, single submitter. Criteria: ACMG Guidelines, 2015. Collection method: clinical testing. Allele origin: germline.
ClinVar note: Converted during submission from Uncertain Significance to Uncertain significance.

PreventionGenetics, part of Exact Sciences
Classification: Likely benign for PIK3R2-related condition. Last evaluated: 2020-12-08. Review status: no assertion criteria provided. Collection method: clinical testing. Allele origin: germline. Not counted in ClinVar's aggregate classification.
Comment: This variant is classified as likely benign based on ACMG/AMP sequence variant interpretation guidelines (Richards et al. 2015 PMID: 25741868, with internal and published modifications).

Literature cited by the submitters: PubMed 17576681 (cited by Labcorp Genetics (formerly Invitae), Labcorp); PubMed 9536098 (cited by Labcorp Genetics (formerly Invitae), Labcorp).

NM_005027.4(PIK3R2):c.1290+4C>T

Gene: PIK3R2 (phosphoinositide-3-kinase regulatory subunit 2; plus strand). Cytogenetic location: 19p13.11.
Variant type: single nucleotide variant.
Coding change: c.1290+4C>T on transcript NM_005027.4 (MANE Select); 4 bases into the intron after coding-DNA position 1290, C replaced by T.
Molecular consequence: intron variant.
Genome position (GRCh38, 1-based): chr19:18,163,151, C>T. VCF-style: chr19-18163151-C-T. GRCh37 (hg19) VCF-style: chr19-18273961-C-T.
Other names: c.1290+4C>T (LRG_1392t1, NM_005027.3).
Identifiers: ClinVar variation 235355 (VCV000235355.12), dbSNP rs376614345, ClinGen allele CA9306965.